The following is an entry in ClinVar:

NC_000002.11:g.46842250_(46844181_?)del

Gene: PIGF (phosphatidylinositol glycan anchor biosynthesis class F; minus strand).
Variant type: Deletion.
Identifiers: ClinVar variation 3896657 (VCV003896657.2).

ClinVar aggregate classification (germline): Uncertain significance (1 of 4 stars; one submission).

Submission:

Women's Health and Genetics/Laboratory Corporation of America, LabCorp
Classification: Uncertain significance. Last evaluated: 2025-04-30. Review status: criteria provided, single submitter. Criteria: LabCorp Variant Classification Summary - May 2015. Collection method: clinical testing. Allele origin: germline.
Comment: Variant summary: The variant involves the deletion of exons 1-2 in the PIGF gene. A presumed nomenclature of c.(?_-94)_54del has been designated for the purposes of this classification. This Copy Number Variant (CNV) involves a partial deletion of exon 2. This CNV spans a canonical splice-site and therefore predicted to result in loss-of-function. Current evidence is not sufficient to establish loss of function as a mechanism for disease. The variant was absent in 21694 control chromosomes. The available data on variant occurrences in the general population are insufficient to allow any conclusion about variant significance. To our knowledge, no occurrence of c.(?_-94)_54del in individuals affected with Onychodystrophy, Osteodystrophy, Impaired Intellectual Development, And Seizures Syndrome and no experimental evidence demonstrating its impact on protein function have been reported. No submitters have cited clinical-significance assessments for this variant to ClinVar. Based on the evidence outlined above, the variant was classified as uncertain significance.